The following is an entry in ClinVar:

ClinVar aggregate classification (germline): Conflicting classifications of pathogenicity. Review status: criteria provided, conflicting classifications (1 of 4 stars). 7 submissions from 7 submitters: Uncertain significance (5); Likely benign (2). Last evaluated 2025-12-09.

Conditions:
TTN-related disorder. Also called: TTN-related condition; TTN-related disease; TTN-related disorders.
Dilated cardiomyopathy 1G (CMD1G). Identifiers: Orphanet 154, MedGen C1858763, MONDO:0011400, OMIM 604145.
Autosomal recessive limb-girdle muscular dystrophy type 2J (LGMDR10). Also called: Limb-girdle muscular dystrophy, type 2J; MUSCULAR DYSTROPHY, LIMB-GIRDLE, AUTOSOMAL RECESSIVE 10. Identifiers: Orphanet 140922, MedGen C1837342, MONDO:0012127, OMIM 608807.
Cardiovascular phenotype. Identifiers: MedGen CN230736.

Allele frequency attached by ClinVar (database versions not stated): gnomAD exomes 0.00002 and 0.00005; ExAC 0.00004; ESP Exome Variant Server 0.00008; gnomAD 0.00013 and 0.00014; TOPMed 0.00015.
gnomAD v4.1: 53 of 1,613,228 alleles (0.0033%); highest among the groups gnomAD compares: African/African-American, 0.055%; no homozygotes.

Submissions (7):

PreventionGenetics, part of Exact Sciences
Classification: Uncertain significance for TTN-related condition. Last evaluated: 2025-12-09. Review status: criteria provided, single submitter. Criteria: ACMG Guidelines, 2015. Collection method: clinical testing. Allele origin: germline.
Comment: The TTN c.97642C>T variant is predicted to result in the amino acid substitution p.Arg32548Cys. This variant has been reported in one case of sudden unexplained death (described as p.Arg29980Cys in Table S1, Campuzano et al. 2015. PubMed ID: 26516846). This variant is reported in 0.066% of alleles in individuals of African descent in gnomAD. Although we suspect that this variant may be benign, at this time, the clinical significance of this variant is uncertain due to the absence of conclusive functional and genetic evidence.

Women's Health and Genetics/Laboratory Corporation of America, LabCorp
Classification: Uncertain significance. Last evaluated: 2023-07-24. Review status: criteria provided, single submitter. Criteria: LabCorp Variant Classification Summary - May 2015. Collection method: clinical testing. Allele origin: germline.
Comment: Variant summary: TTN c.89938C>T (p.Arg29980Cys) results in a non-conservative amino acid change located in the A-band region of the encoded protein sequence. Four of five in-silico tools predict a damaging effect of the variant on protein function. The variant allele was found at a frequency of 5.2e-05 in 248476 control chromosomes (gnomAD). This frequency is not significantly higher than estimated for a pathogenic variant in TTN causing Dilated Cardiomyopathy (5.2e-05 vs 0.00039), allowing no conclusion about variant significance. c.89938C>T has been reported in the literature in individuals affected with Sudden Unexplained Death (SUD, Campuzano_2015). This report does not provide unequivocal conclusions about association of the variant with Dilated Cardiomyopathy. To our knowledge, no experimental evidence demonstrating an impact on protein function has been reported. The following publication has been ascertained in the context of this evaluation (PMID: 26516846). Four ClinVar submitters have assessed the variant since 2014: two classified the variant as uncertain significance and two as likely benign. Based on the evidence outlined above, the variant was classified as uncertain significance.

Ambry Genetics
Classification: Likely benign for Cardiovascular phenotype. Last evaluated: 2020-03-24. Review status: criteria provided, single submitter. Criteria: Ambry Variant Classification Scheme 2023. Collection method: clinical testing. Allele origin: germline.

GeneDx
Classification: Likely benign. Last evaluated: 2019-08-09. Review status: criteria provided, single submitter. Criteria: GeneDx Variant Classification Process June 2021. Collection method: clinical testing. Allele origin: germline. Affected: yes.

Labcorp Genetics (formerly Invitae), Labcorp
Classification: Uncertain significance for Dilated cardiomyopathy 1G; Autosomal recessive limb-girdle muscular dystrophy type 2J. Last evaluated: 2017-10-18. Review status: criteria provided, single submitter. Criteria: Invitae Variant Classification Sherloc (09022015). Collection method: clinical testing. Allele origin: germline.

Eurofins Ntd Llc (ga)
Classification: Uncertain significance. Last evaluated: 2017-09-01. Review status: criteria provided, single submitter. Criteria: EGL Classification Definitions 2015. Collection method: clinical testing. Allele origin: germline. Observed: 2 variant alleles, 2 heterozygotes.

Laboratory for Molecular Medicine, Mass General Brigham Personalized Medicine
Classification: Uncertain significance. Last evaluated: 2014-06-26. Review status: criteria provided, single submitter. Criteria: LMM Criteria. Collection method: clinical testing. Allele origin: germline. Observed: 1 variant allele.
Comment: The Arg29980Cys variant in TTN has not been previously reported in individuals w ith cardiomyopathy, but has been identified in 1/3916 African American chromosom es by the NHLBI Exome Sequencing Project (dbS NP rs377599569). Computational prediction tools and conservation analysis do not provide strong support for or against an impact to the protein. In summary, the clinical significance of the Arg29980Cys variant is uncertain.

Literature cited by the submitters: PubMed 26516846 (cited by Women's Health and Genetics/Laboratory Corporation of America, LabCorp).

NM_001267550.2(TTN):c.97642C>T (p.Arg32548Cys)

Genes: TTN (titin; minus strand), TTN-AS1 (TTN antisense RNA 1; plus strand). Cytogenetic location: 2q31.2.
Variant type: single nucleotide variant.
Coding change: c.97642C>T on transcript NM_001267550.2 (MANE Select); coding-DNA position 97642, C replaced by T.
Protein change: p.Arg32548Cys; replaces arginine 32548 with cysteine.
Molecular consequence: missense variant.
Genome position (GRCh38, 1-based): chr2:178,541,435, G>A on the plus strand (C>T on the coding strand, the complement: TTN is on the minus strand). VCF-style: chr2-178541435-G-A. GRCh37 (hg19) VCF-style: chr2-179406162-G-A.
Other names: c.92719C>T, p.Arg30907Cys (NM_001256850.1); c.89938C>T, p.Arg29980Cys (NM_133378.4); c.70447C>T, p.Arg23483Cys (NM_003319.4); c.70822C>T, p.Arg23608Cys (NM_133432.3); c.71023C>T, p.Arg23675Cys (NM_133437.4); short protein forms R29980C, R32548C, R30907C, R23608C, R23483C, R23675C.
Identifiers: ClinVar variation 178165 (VCV000178165.17), dbSNP rs377599569, ClinGen allele CA181600.